The following is an entry in ClinVar:

NM_006397.3(RNASEH2A):c.208A>G (p.Thr70Ala)

Gene: RNASEH2A (ribonuclease H2 subunit A; plus strand). Cytogenetic location: 19p13.13.
Variant type: single nucleotide variant.
Coding change: c.208A>G on transcript NM_006397.3 (MANE Select); coding-DNA position 208, A replaced by G.
Protein change: p.Thr70Ala; replaces threonine 70 with alanine.
Molecular consequence: missense variant.
Genome position (GRCh38, 1-based): chr19:12,807,214, A>G. VCF-style: chr19-12807214-A-G. GRCh37 (hg19) VCF-style: chr19-12918028-A-G.
Other names: short protein forms T70A.
Identifiers: ClinVar variation 3344701 (VCV003344701.1).

ClinVar aggregate classification (germline): Uncertain significance (0 of 4 stars; one submission).

Conditions:
RNASEH2A-related disorder. Also called: RNASEH2A-related condition.

gnomAD v4.1: 1 of 1,613,952 alleles (0.000062%); highest among the groups gnomAD compares: Non-Finnish European, 0.000085%; no homozygotes.

Submission:

PreventionGenetics, part of Exact Sciences
Classification: Uncertain significance for RNASEH2A-related condition. Last evaluated: 2024-09-27. Review status: no assertion criteria provided. Collection method: clinical testing. Allele origin: germline.
Comment: The RNASEH2A c.208A>G variant is predicted to result in the amino acid substitution p.Thr70Ala. To our knowledge, this variant has not been reported in the literature or in a large population database, indicating this variant is rare. At this time, the clinical significance of this variant is uncertain due to the absence of conclusive functional and genetic evidence.